The following is an entry in ClinVar:

NM_153704.6(TMEM67):c.1345A>C (p.Ser449Arg)

Gene: TMEM67 (transmembrane protein 67; plus strand). Cytogenetic location: 8q22.1.
Variant type: single nucleotide variant.
Coding change: c.1345A>C on transcript NM_153704.6 (MANE Select); coding-DNA position 1345, A replaced by C.
Protein change: p.Ser449Arg; replaces serine 449 with arginine.
Molecular consequence: missense variant. On other transcripts: non-coding transcript variant (1).
Genome position (GRCh38, 1-based): chr8:93,786,279, A>C. VCF-style: chr8-93786279-A-C. GRCh37 (hg19) VCF-style: chr8-94798507-A-C.
Other names: c.1102A>C, p.Ser368Arg (NM_001142301.1); short protein forms S368R, S449R.
Identifiers: ClinVar variation 4994794 (VCV004994794.1).

ClinVar aggregate classification (germline): Uncertain significance (1 of 4 stars; one submission).

Conditions:
TMEM67-related disorder. Also called: TMEM67-related condition; TMEM67-related disorders. Identifiers: MedGen CN239423.

Submission:

PreventionGenetics, part of Exact Sciences
Classification: Uncertain significance for TMEM67-related condition. Last evaluated: 2026-09-24. Review status: criteria provided, single submitter. Criteria: ACMG Guidelines, 2015. Collection method: clinical testing. Allele origin: germline.
Comment: The TMEM67 c.1345A>C variant is predicted to result in the amino acid substitution p.Ser449Arg. To our knowledge, this variant has not been reported in the literature or in a large population database (gnomAD), indicating this variant is rare. At this time, the clinical significance of this variant is uncertain due to the absence of conclusive functional and genetic evidence.